The following is an entry in ClinVar:

NM_001048174.2(MUTYH):c.1143G>C (p.Trp381Cys)

Gene: MUTYH (mutY DNA glycosylase; minus strand). Cytogenetic location: 1p34.1.
Variant type: single nucleotide variant.
Coding change: c.1143G>C on transcript NM_001048174.2 (MANE Select); coding-DNA position 1143, G replaced by C.
Protein change: p.Trp381Cys; replaces tryptophan 381 with cysteine.
Molecular consequence: missense variant. On other transcripts: non-coding transcript variant (7).
Genome position (GRCh38, 1-based): chr1:45,331,516, C>G on the plus strand (G>C on the coding strand, the complement: MUTYH is on the minus strand). VCF-style: chr1-45331516-C-G. GRCh37 (hg19) VCF-style: chr1-45797188-C-G.
Other names: c.867G>C, p.Trp289Cys (NM_001293196.2, NM_001407091.1, NM_001293192.2); c.798G>C, p.Trp266Cys (NM_001350650.2, NM_001350651.2, NM_001407082.1); c.1176G>C, p.Trp392Cys (NM_001407069.1, NM_001293191.2, NM_001407077.1); c.1143G>C, p.Trp381Cys (NM_001407070.1, NM_001407072.1, NM_001407073.1 and 6 more transcripts); c.1146G>C, p.Trp382Cys (NM_001407071.1, NM_001048172.2, NM_001407078.1 and 1 more transcripts); c.1059G>C, p.Trp353Cys (NM_001407075.1); c.1218G>C, p.Trp406Cys (NM_012222.3); c.1227G>C, p.Trp409Cys (NM_001128425.2); and 5 more; short protein forms W388C, W406C, W382C, W266C, W289C, W353C, W368C, W381C.
Identifiers: ClinVar variation 4113098 (VCV004113098.1).
Genomic context (GRCh38, chr1:45,331,516, plus strand): 5'-CCCAGCCCAACGCTGTAGTTCCTGCAGCAGGGCCTTGCGCTGAAGCTGCTCTGAGGGCTC[C>G]CAGGTCACGGACGGGAACTCCCACAGTCCTGCCAGCAGACCTGAGAGGGAGGGCAGCCAG-3'
Protein context (NP_001041639.1, residues 371-391): AGLWEFPSVT[Trp381Cys]EPSEQLQRKA

ClinVar aggregate classification (germline): Uncertain significance (1 of 4 stars; one submission).

Conditions:
Hereditary cancer-predisposing syndrome. Also called: Tumor predisposition; Neoplastic Syndromes, Hereditary; Hereditary neoplastic syndrome; Hereditary Cancer Syndrome. Identifiers: Orphanet 140162, MedGen C0027672, MeSH D009386, MONDO:0015356.

Submission:

Ambry Genetics
Classification: Uncertain significance for Hereditary cancer-predisposing syndrome. Last evaluated: 2025-08-27. Review status: criteria provided, single submitter. Criteria: Ambry Variant Classification Scheme 2023. Collection method: clinical testing. Allele origin: germline.
Comment: The p.W409C variant (also known as c.1227G>C), located in coding exon 13 of the MUTYH gene, results from a G to C substitution at nucleotide position 1227. The tryptophan at codon 409 is replaced by cysteine, an amino acid with highly dissimilar properties. This amino acid position is conserved. In addition, this alteration is predicted to be tolerated by in silico analysis. Based on the available evidence, the clinical significance of this variant remains unclear.